The following is an entry in ClinVar:

NM_001378452.1(ITPR1):c.2752G>A (p.Gly918Ser)

Gene: ITPR1 (inositol 1,4,5-trisphosphate receptor type 1; plus strand). Cytogenetic location: 3p26.1.
Variant type: single nucleotide variant.
Coding change: c.2752G>A on transcript NM_001378452.1 (MANE Select); coding-DNA position 2752, G replaced by A.
Protein change: p.Gly918Ser; replaces glycine 918 with serine.
Molecular consequence: missense variant.
Genome position (GRCh38, 1-based): chr3:4,675,221, G>A. VCF-style: chr3-4675221-G-A. GRCh37 (hg19) VCF-style: chr3-4716905-G-A.
Other names: c.2752G>A, p.Gly918Ser (NM_001099952.4); c.2707G>A, p.Gly903Ser (NM_001168272.2, NM_002222.7); short protein forms G903S, G918S.
Identifiers: ClinVar variation 3608748 (VCV003608748.2).

ClinVar aggregate classification (germline): Uncertain significance (1 of 4 stars; one submission).

gnomAD v4.1: 6 of 1,611,576 alleles (0.00037%); highest among the groups gnomAD compares: South Asian, 0.0055%; no homozygotes.

Submission:

Labcorp Genetics (formerly Invitae), Labcorp
Classification: Uncertain significance. Last evaluated: 2024-11-28. Review status: criteria provided, single submitter. Criteria: Invitae Variant Classification Sherloc (09022015). Collection method: clinical testing. Allele origin: germline.
Comment: This sequence change replaces glycine, which is neutral and non-polar, with serine, which is neutral and polar, at codon 903 of the ITPR1 protein (p.Gly903Ser). This variant also falls at the last nucleotide of exon 22, which is part of the consensus splice site for this exon. This variant is present in population databases (rs771806357, gnomAD 0.003%). This variant has not been reported in the literature in individuals affected with ITPR1-related conditions. An algorithm developed to predict the effect of missense changes on protein structure and function (PolyPhen-2) suggests that this variant is likely to be tolerated. Variants that disrupt the consensus splice site are a relatively common cause of aberrant splicing (PMID: 17576681, 9536098). Algorithms developed to predict the effect of sequence changes on RNA splicing suggest that this variant may disrupt the consensus splice site. In summary, the available evidence is currently insufficient to determine the role of this variant in disease. Therefore, it has been classified as a Variant of Uncertain Significance.

Literature cited by the submitters: PubMed 17576681; PubMed 9536098.